The following is an entry in ClinVar:

ClinVar aggregate classification (germline): Benign. Review status: criteria provided, multiple submitters, no conflicts (2 of 4 stars). 2 submissions from 2 submitters: Benign (2). Last evaluated 2018-06-14.

Allele frequency attached by ClinVar (database versions not stated): gnomAD exomes 0.95950; gnomAD 0.96634 and 0.96689; TOPMed 0.96681; 1000 Genomes Project 30x 0.98407; 1000 Genomes Project 0.98423.
gnomAD v4.1: 590,499 of 614,440 alleles (96%); highest among the groups gnomAD compares: East Asian, 100%; 283,903 homozygotes.

Submissions (2):

GeneDx
Classification: Benign. Last evaluated: 2018-06-14. Review status: criteria provided, single submitter. Criteria: GeneDx Variant Classification (06012015). Collection method: clinical testing. Allele origin: germline. Affected: yes.
Comment: This variant is considered likely benign or benign based on one or more of the following criteria: it is a conservative change, it occurs at a poorly conserved position in the protein, it is predicted to be benign by multiple in silico algorithms, and/or has population frequency not consistent with disease.

Breakthrough Genomics
Classification: Benign. Review status: criteria provided, single submitter. Criteria: ACMG Guidelines, 2015. Collection method: not provided. Allele origin: germline. Inheritance: Autosomal recessive inheritance. Affected: yes.

NM_001953.5(TYMP):c.418-230T>C

Gene: TYMP (thymidine phosphorylase; minus strand). Cytogenetic location: 22q13.33.
Variant type: single nucleotide variant.
Coding change: c.418-230T>C on transcript NM_001953.5 (MANE Select); 230 bases into the intron before coding-DNA position 418, T replaced by C.
Molecular consequence: intron variant.
Genome position (GRCh38, 1-based): chr22:50,528,840, A>G on the plus strand (T>C on the coding strand, the complement: TYMP is on the minus strand). VCF-style: chr22-50528840-A-G. GRCh37 (hg19) VCF-style: chr22-50967269-A-G.
Other names: c.418-230T>C (NM_001257989.1, NM_001257988.1, NM_001113755.3 and 1 more transcripts).
Identifiers: ClinVar variation 670262 (VCV000670262.2), dbSNP rs131800, ClinGen allele CA325564868.